The following is an entry in ClinVar:

NM_001025616.3(ARHGAP24):c.1739A>C (p.Glu580Ala)

Gene: ARHGAP24 (Rho GTPase activating protein 24; plus strand). Cytogenetic location: 4q21.23.
Variant type: single nucleotide variant.
Coding change: c.1739A>C on transcript NM_001025616.3 (MANE Select); coding-DNA position 1739, A replaced by C.
Protein change: p.Glu580Ala; replaces glutamic acid 580 with alanine.
Molecular consequence: missense variant.
Genome position (GRCh38, 1-based): chr4:85,995,393, A>C. VCF-style: chr4-85995393-A-C. GRCh37 (hg19) VCF-style: chr4-86916546-A-C.
Other names: c.1454A>C, p.Glu485Ala (NM_001042669.2); c.1484A>C, p.Glu495Ala (NM_001287805.2); c.1160A>C, p.Glu387Ala (NM_001346093.2); c.1460A>C, p.Glu487Ala (NM_031305.3); short protein forms E487A, E495A, E485A, E580A, E387A.
Identifiers: ClinVar variation 3655345 (VCV003655345.2).

ClinVar aggregate classification (germline): Uncertain significance (1 of 4 stars; one submission).

gnomAD v4.1: 4 of 1,613,300 alleles (0.00025%); highest among the groups gnomAD compares: Non-Finnish European, 0.00034%; no homozygotes.

Submission:

Labcorp Genetics (formerly Invitae), Labcorp
Classification: Uncertain significance. Last evaluated: 2024-04-13. Review status: criteria provided, single submitter. Criteria: Invitae Variant Classification Sherloc (09022015). Collection method: clinical testing. Allele origin: germline.
Comment: This sequence change replaces glutamic acid, which is acidic and polar, with alanine, which is neutral and non-polar, at codon 580 of the ARHGAP24 protein (p.Glu580Ala). This variant is not present in population databases (gnomAD no frequency). This variant has not been reported in the literature in individuals affected with ARHGAP24-related conditions. An algorithm developed to predict the effect of missense changes on protein structure and function (PolyPhen-2) suggests that this variant is likely to be disruptive. In summary, the available evidence is currently insufficient to determine the role of this variant in disease. Therefore, it has been classified as a Variant of Uncertain Significance.